The following is an entry in ClinVar:

ClinVar aggregate classification (germline): Uncertain significance (1 of 4 stars; one submission).

Conditions:
Epidermolysis bullosa simplex 3, localized or generalized intermediate, with BP230 deficiency (EBS3). Also called: Epidermolysis bullosa simplex due to BP230 deficiency; Epidermolysis bullosa simplex, autosomal recessive 2. Identifiers: Orphanet 412181, MedGen C3809470, MONDO:0014180, OMIM 615425.
Hereditary sensory and autonomic neuropathy type 6. Also called: HSAN VI; Neuropathy, hereditary sensory and autonomic, type VI. Identifiers: Orphanet 314381, MedGen C3539003, MONDO:0013839, OMIM 614653.

Allele frequency attached by ClinVar (database versions not stated): gnomAD 0.00001; gnomAD exomes 0.00001 and 0.00004; ExAC 0.00002; TOPMed 0.00003.
gnomAD v4.1: 53 of 1,614,006 alleles (0.0033%); highest among the groups gnomAD compares: South Asian, 0.014%; no homozygotes.

Submission:

Labcorp Genetics (formerly Invitae), Labcorp
Classification: Uncertain significance for Epidermolysis bullosa simplex 3, localized or generalized intermediate, with BP230 deficiency; Hereditary sensory and autonomic neuropathy type 6. Last evaluated: 2022-07-13. Review status: criteria provided, single submitter. Criteria: Invitae Variant Classification Sherloc (09022015). Collection method: clinical testing. Allele origin: germline.
Comment: This sequence change replaces glutamic acid, which is acidic and polar, with lysine, which is basic and polar, at codon 1965 of the DST protein (p.Glu1965Lys). This variant is present in population databases (rs768950109, gnomAD 0.01%). This variant has not been reported in the literature in individuals affected with DST-related conditions. ClinVar contains an entry for this variant (Variation ID: 847068). Algorithms developed to predict the effect of missense changes on protein structure and function are either unavailable or do not agree on the potential impact of this missense change (SIFT: "Deleterious"; PolyPhen-2: "Benign"; Align-GVGD: "Class C0"). In summary, the available evidence is currently insufficient to determine the role of this variant in disease. Therefore, it has been classified as a Variant of Uncertain Significance.

NM_001723.7(DST):c.5893G>A (p.Glu1965Lys)

Gene: DST (dystonin; minus strand). Cytogenetic location: 6p12.1.
Variant type: single nucleotide variant.
Coding change: c.5893G>A on transcript NM_001723.7 (MANE Plus Clinical); coding-DNA position 5893, G replaced by A.
Protein change: p.Glu1965Lys; replaces glutamic acid 1965 with lysine.
Molecular consequence: missense variant. On other transcripts: intron variant (10).
Genome position (GRCh38, 1-based): chr6:56,618,141, C>T on the plus strand (G>A on the coding strand, the complement: DST is on the minus strand). VCF-style: chr6-56618141-C-T. GRCh37 (hg19) VCF-style: chr6-56482939-C-T.
Other names: c.4831-3657G>A (NM_001144769.5); c.4930-3657G>A (NM_001374722.1, NM_001374736.1); c.4957-3657G>A (NM_001374734.1); c.4417-3657G>A (NM_001144770.2); c.4297-3657G>A (NM_001374730.1, NM_001386100.1, NM_183380.4 and 1 more transcripts); c.3319-3657G>A (NM_015548.5); short protein forms E1965K.
Identifiers: ClinVar variation 847068 (VCV000847068.5), dbSNP rs768950109, ClinGen allele CA3870285.